The following is an entry in ClinVar:

ClinVar aggregate classification (germline): Conflicting classifications of pathogenicity. Review status: criteria provided, conflicting classifications (1 of 4 stars). 4 submissions from 4 submitters: Uncertain significance (2); Likely benign (1). 1 of the submissions does not count toward it. Last evaluated 2025-11-12.

Conditions:
NTRK2-related disorder. Also called: NTRK2-related condition.
Developmental disorder. Identifiers: MedGen C0008073.
Inborn genetic diseases. Identifiers: MedGen C0950123, MeSH D030342.

Allele frequency attached by ClinVar (database versions not stated): gnomAD exomes 0.00001 and 0.00002; ExAC 0.00003; TOPMed 0.00003; gnomAD 0.00004.
gnomAD v4.1: 26 of 1,613,974 alleles (0.0016%); highest among the groups gnomAD compares: East Asian, 0.0022%; no homozygotes.

Submissions (4):

Labcorp Genetics (formerly Invitae), Labcorp
Classification: Uncertain significance. Last evaluated: 2025-11-12. Review status: criteria provided, single submitter. Criteria: Invitae Variant Classification Sherloc (09022015). Collection method: clinical testing. Allele origin: germline.
Comment: This sequence change replaces arginine, which is basic and polar, with cysteine, which is neutral and slightly polar, at codon 792 of the NTRK2 protein (p.Arg792Cys). This variant is present in population databases (rs201902834, gnomAD 0.004%). This variant has not been reported in the literature in individuals affected with NTRK2-related conditions. ClinVar contains an entry for this variant (Variation ID: 1343169). Invitae Evidence Modeling of protein sequence and biophysical properties (such as structural, functional, and spatial information, amino acid conservation, physicochemical variation, residue mobility, and thermodynamic stability) indicates that this missense variant is not expected to disrupt NTRK2 protein function with a negative predictive value of 80%. In summary, the available evidence is currently insufficient to determine the role of this variant in disease. Therefore, it has been classified as a Variant of Uncertain Significance.

Ambry Genetics
Classification: Uncertain significance for Inborn genetic diseases. Last evaluated: 2023-02-15. Review status: criteria provided, single submitter. Criteria: Ambry Variant Classification Scheme 2023. Collection method: clinical testing. Allele origin: germline.

Department of Genetics, Rouen University Hospital, Normandy Center for Genomic and Personalized Medicine
Classification: Likely benign for Developmental disorder. Last evaluated: 2021-02-18. Review status: criteria provided, single submitter. Criteria: ACMG Guidelines, 2015. Collection method: clinical testing. Allele origin: maternal. Affected: yes.

PreventionGenetics, part of Exact Sciences
Classification: Uncertain significance for NTRK2-related condition. Last evaluated: 2024-05-29. Review status: no assertion criteria provided. Collection method: clinical testing. Allele origin: germline. Not counted in ClinVar's aggregate classification.
Comment: The NTRK2 c.2374C>T variant is predicted to result in the amino acid substitution p.Arg792Cys. To our knowledge, this variant has not been reported in the literature. This variant is reported in 0.0039% of alleles in individuals of European (Non-Finnish) descent in gnomAD. At this time, the clinical significance of this variant is uncertain due to the absence of conclusive functional and genetic evidence.

NM_006180.6(NTRK2):c.2374C>T (p.Arg792Cys)

Gene: NTRK2 (neurotrophic receptor tyrosine kinase 2; plus strand). Cytogenetic location: 9q21.33.
Variant type: single nucleotide variant.
Coding change: c.2374C>T on transcript NM_006180.6 (MANE Select); coding-DNA position 2374, C replaced by T.
Protein change: p.Arg792Cys; replaces arginine 792 with cysteine.
Molecular consequence: missense variant.
Genome position (GRCh38, 1-based): chr9:85,021,294, C>T. VCF-style: chr9-85021294-C-T. GRCh37 (hg19) VCF-style: chr9-87636209-C-T.
Other names: c.2326C>T, p.Arg776Cys (NM_001018064.3, NM_001369532.1, NM_001369533.1); c.2290C>T, p.Arg764Cys (NM_001369534.1); c.1858C>T, p.Arg620Cys (NM_001369535.1); c.1906C>T, p.Arg636Cys (NM_001369536.1); c.2374C>T (NM_006180.3, NM_006180.4); short protein forms R620C, R636C, R764C, R776C, R792C.
Identifiers: ClinVar variation 1343169 (VCV001343169.10), dbSNP rs201902834, ClinGen allele CA5105987.